The following is an entry in ClinVar:

ClinVar aggregate classification (germline): Pathogenic. Review status: criteria provided, multiple submitters, no conflicts (2 of 4 stars). 2 submissions from 2 submitters: Pathogenic (2). Last evaluated 2021-12-30.

Conditions:
Duchenne muscular dystrophy (DMD). Also called: Duchenne Muscular Dystrophy (DMD); MUSCULAR DYSTROPHY, PSEUDOHYPERTROPHIC PROGRESSIVE, DUCHENNE TYPE. Identifiers: Orphanet 98896, MedGen C0013264, MONDO:0010679, OMIM 310200.

Submissions (3):

Labcorp Genetics (formerly Invitae), Labcorp
Classification: Pathogenic for Duchenne muscular dystrophy. Last evaluated: 2021-12-30. Review status: criteria provided, single submitter. Criteria: Invitae Variant Classification Sherloc (09022015). Collection method: clinical testing. Allele origin: germline.
Comment: For these reasons, this variant has been classified as Pathogenic. ClinVar contains an entry for this variant (Variation ID: 166668). This premature translational stop signal has been observed in individual(s) with DMD-related conditions (PMID: 19937601). This variant is not present in population databases (gnomAD no frequency). This sequence change creates a premature translational stop signal (p.Glu2894*) in the DMD gene. It is expected to result in an absent or disrupted protein product. Loss-of-function variants in DMD are known to be pathogenic (PMID: 16770791, 25007885).

Eurofins Ntd Llc (ga)
Classification: Pathogenic. Last evaluated: 2016-01-20. Review status: criteria provided, single submitter. Criteria: EGL Classification Definitions 2015. Collection method: clinical testing. Allele origin: germline. Observed: 1 variant allele, 1 heterozygote, 1 hemizygote.

Dr. Peter K. Rogan Lab, Western University
No classification provided (evidence only). Condition: Thyroid cancer, nonmedullary, 1. Review status: no classification provided. Collection method: in vitro. Allele origin: not applicable. Functional consequence: retained intron. Not counted in ClinVar's aggregate classification.

Literature cited by the submitters: PubMed 19937601 (cited by Labcorp Genetics (formerly Invitae), Labcorp); PubMed 16770791 (cited by Labcorp Genetics (formerly Invitae), Labcorp); PubMed 25007885 (cited by Labcorp Genetics (formerly Invitae), Labcorp).

NM_004006.3(DMD):c.8680G>T (p.Glu2894Ter)

Gene: DMD (dystrophin; minus strand). Cytogenetic location: Xp21.2.
Variant type: single nucleotide variant.
Coding change: c.8680G>T on transcript NM_004006.3 (MANE Select); coding-DNA position 8680, G replaced by T.
Protein change: p.Glu2894Ter; replaces glutamic acid 2894 with a stop codon.
Molecular consequence: nonsense.
Genome position (GRCh38, 1-based): chrX:31,478,363, C>A on the plus strand (G>T on the coding strand, the complement: DMD is on the minus strand). VCF-style: chrX-31478363-C-A. GRCh37 (hg19) VCF-style: chrX-31496480-C-A.
Other names: c.8656G>T, p.Glu2886Ter (NM_000109.4); c.8668G>T, p.Glu2890Ter (NM_004009.3); c.8311G>T, p.Glu2771Ter (NM_004010.3); c.4657G>T, p.Glu1553Ter (NM_004011.4); c.4648G>T, p.Glu1550Ter (NM_004012.4); c.1300G>T, p.Glu434Ter (NM_004013.3, NM_004020.4, NM_004021.3 and 2 more transcripts); c.493G>T, p.Glu165Ter (NM_004014.3); short protein forms E2894*, E1553*, E165*, E2890*, E2886*, E1550*, E434*, E2771*.
Identifiers: ClinVar variation 166668 (VCV000166668.15), dbSNP rs727503802, ClinGen allele CA273299.
Genomic context (GRCh38, chrX:31,478,363, plus strand): 5'-CAGTATTGACCTCCTCAGCCTGCTTTCGTAGAAGCCGAGTGACATTCTGGGCTCTCTCCT[C>A]AGGAGGCAGCTCTAAATTGGCAATATGACAAGGTTTTAGGCCACATTCTTTTTTTTTAAA-3'